The following is an entry in ClinVar:

ClinVar aggregate classification (germline): Uncertain significance (1 of 4 stars; one submission).

Conditions:
Birt-Hogg-Dube syndrome. Also called: Birt Hogg Dubé syndrome. Identifiers: Orphanet 122, MedGen C0346010, MONDO:0800444.

Allele frequency attached by ClinVar (database versions not stated): TOPMed 0.00001.

Submission:

Labcorp Genetics (formerly Invitae), Labcorp
Classification: Uncertain significance for Birt-Hogg-Dube syndrome. Last evaluated: 2023-06-29. Review status: criteria provided, single submitter. Criteria: Invitae Variant Classification Sherloc (09022015). Collection method: clinical testing. Allele origin: germline.
Comment: In summary, the available evidence is currently insufficient to determine the role of this variant in disease. Therefore, it has been classified as a Variant of Uncertain Significance. Advanced modeling of protein sequence and biophysical properties (such as structural, functional, and spatial information, amino acid conservation, physicochemical variation, residue mobility, and thermodynamic stability) performed at Invitae indicates that this missense variant is not expected to disrupt FLCN protein function. ClinVar contains an entry for this variant (Variation ID: 2132972). This variant has not been reported in the literature in individuals affected with FLCN-related conditions. This variant is not present in population databases (gnomAD no frequency). This sequence change replaces phenylalanine, which is neutral and non-polar, with leucine, which is neutral and non-polar, at codon 361 of the FLCN protein (p.Phe361Leu).

NM_144997.7(FLCN):c.1083C>G (p.Phe361Leu)

Gene: FLCN (folliculin; minus strand). Cytogenetic location: 17p11.2.
Variant type: single nucleotide variant.
Coding change: c.1083C>G on transcript NM_144997.7 (MANE Select); coding-DNA position 1083, C replaced by G.
Protein change: p.Phe361Leu; replaces phenylalanine 361 with leucine.
Molecular consequence: missense variant.
Genome position (GRCh38, 1-based): chr17:17,217,162, G>C on the plus strand (C>G on the coding strand, the complement: FLCN is on the minus strand). VCF-style: chr17-17217162-G-C. GRCh37 (hg19) VCF-style: chr17-17120476-G-C.
Other names: c.1137C>G, p.Phe379Leu (NM_001353229.2); c.1083C>G, p.Phe361Leu (NM_001353230.2, NM_001353231.2); short protein forms F361L, F379L.
Identifiers: ClinVar variation 2132972 (VCV002132972.4), dbSNP rs1280149200, ClinGen allele CA398532368.